The following is an entry in ClinVar:

NM_005055.5(RAPSN):c.1216T>A (p.Ser406Thr)

Gene: RAPSN (receptor associated protein of the synapse; minus strand). Cytogenetic location: 11p11.2.
Variant type: single nucleotide variant.
Coding change: c.1216T>A on transcript NM_005055.5 (MANE Select); coding-DNA position 1216, T replaced by A.
Protein change: p.Ser406Thr; replaces serine 406 with threonine.
Molecular consequence: missense variant.
Genome position (GRCh38, 1-based): chr11:47,437,998, A>T on the plus strand (T>A on the coding strand, the complement: RAPSN is on the minus strand). VCF-style: chr11-47437998-A-T. GRCh37 (hg19) VCF-style: chr11-47459549-A-T.
Other names: c.1039T>A, p.Ser347Thr (NM_032645.5); short protein forms S347T, S406T.
Identifiers: ClinVar variation 1401252 (VCV001401252.7), dbSNP rs1486159580, ClinGen allele CA380325455.
Genomic context (GRCh38, chr11:47,437,998, plus strand): 5'-GAGTGGCGAGGAGGAAGCCCACGCCTGCTGCCAGGAGTCATACAAAGCCAGGCTTCATGG[A>T]TGAGCGGCGGCAGTTGGGACAGCTCCGGGTCCCGTTGTTCTGCAGGCACCTGGGGAGGCA-3'
Protein context (NP_005046.2, residues 396-412): TRSCPNCRRS[Ser406Thr]MKPGFV

ClinVar aggregate classification (germline): Uncertain significance (1 of 4 stars; one submission).

Conditions:
Congenital myasthenic syndrome 11. Also called: MYASTHENIC SYNDROME, CONGENITAL, Ie; Myasthenic syndrome, congenital, 11, associated with acetylcholine receptor deficiency. Identifiers: Orphanet 590, MedGen C4225367, MONDO:0014588, OMIM 616326.
Fetal akinesia deformation sequence 1 (FADS1). Also called: Fetal akinesia sequence; Pena-Shokeir syndrome type I. Identifiers: Orphanet 994, MedGen C1276035, MONDO:0100101, OMIM 208150, HP:0001989.

Allele frequency attached by ClinVar (database versions not stated): gnomAD exomes 0.00001.
gnomAD v4.1: 7 of 1,550,412 alleles (0.00045%); highest among the groups gnomAD compares: Non-Finnish European, 0.00061%; no homozygotes.

Submission:

Labcorp Genetics (formerly Invitae), Labcorp
Classification: Uncertain significance for Congenital myasthenic syndrome 11; Fetal akinesia deformation sequence 1. Last evaluated: 2024-09-05. Review status: criteria provided, single submitter. Criteria: Invitae Variant Classification Sherloc (09022015). Collection method: clinical testing. Allele origin: germline.
Comment: This sequence change replaces serine, which is neutral and polar, with threonine, which is neutral and polar, at codon 406 of the RAPSN protein (p.Ser406Thr). This variant is present in population databases (no rsID available, gnomAD 0.002%). This variant has not been reported in the literature in individuals affected with RAPSN-related conditions. ClinVar contains an entry for this variant (Variation ID: 1401252). Invitae Evidence Modeling of protein sequence and biophysical properties (such as structural, functional, and spatial information, amino acid conservation, physicochemical variation, residue mobility, and thermodynamic stability) has been performed for this missense variant. However, the output from this modeling did not meet the statistical confidence thresholds required to predict the impact of this variant on RAPSN protein function. In summary, the available evidence is currently insufficient to determine the role of this variant in disease. Therefore, it has been classified as a Variant of Uncertain Significance.